The following is an entry in ClinVar:

ClinVar aggregate classification (germline): Uncertain significance (1 of 4 stars; one submission).

Allele frequency attached by ClinVar (database versions not stated): gnomAD exomes 0.00001; TOPMed 0.00001; ExAC 0.00002; gnomAD 0.00002.
gnomAD v4.1: 12 of 1,597,900 alleles (0.00075%); highest among the groups gnomAD compares: South Asian, 0.0066%; no homozygotes.

Submission:

Labcorp Genetics (formerly Invitae), Labcorp
Classification: Uncertain significance. Last evaluated: 2023-11-27. Review status: criteria provided, single submitter. Criteria: Invitae Variant Classification Sherloc (09022015). Collection method: clinical testing. Allele origin: germline.
Comment: This sequence change replaces arginine, which is basic and polar, with histidine, which is basic and polar, at codon 791 of the SZT2 protein (p.Arg791His). This variant is present in population databases (rs772767255, gnomAD 0.01%). This variant has not been reported in the literature in individuals affected with SZT2-related conditions. ClinVar contains an entry for this variant (Variation ID: 1407602). Advanced modeling of protein sequence and biophysical properties (such as structural, functional, and spatial information, amino acid conservation, physicochemical variation, residue mobility, and thermodynamic stability) performed at Invitae indicates that this missense variant is not expected to disrupt SZT2 protein function with a negative predictive value of 80%. In summary, the available evidence is currently insufficient to determine the role of this variant in disease. Therefore, it has been classified as a Variant of Uncertain Significance.

NM_001365999.1(SZT2):c.2372G>A (p.Arg791His)

Gene: SZT2 (SZT2 subunit of KICSTOR complex; plus strand). Cytogenetic location: 1p34.2.
Variant type: single nucleotide variant.
Coding change: c.2372G>A on transcript NM_001365999.1 (MANE Select); coding-DNA position 2372, G replaced by A.
Protein change: p.Arg791His; replaces arginine 791 with histidine.
Molecular consequence: missense variant.
Genome position (GRCh38, 1-based): chr1:43,424,333, G>A. VCF-style: chr1-43424333-G-A. GRCh37 (hg19) VCF-style: chr1-43890004-G-A.
Other names: c.2372G>A, p.Arg791His (NM_015284.4); short protein forms R791H.
Identifiers: ClinVar variation 1407602 (VCV001407602.9), dbSNP rs772767255, ClinGen allele CA808679.
Genomic context (GRCh38, chr1:43,424,333, plus strand): 5'-CAGGTCCACTGCCCTTGGTGTCAGGCCGCTCAGCCTCTTCTAGCCTGGCGTCACTGTCCC[G>A]CTACCTCTACCATCAGCGCTGGCTTTGGAGTGTCCCGTCAGGACTGGCCCCTGCGCTGCC-3'
Protein context (NP_001352928.1, residues 781-801): SASSSLASLS[Arg791His]YLYHQRWLWS